The following is an entry in ClinVar:

ClinVar aggregate classification (germline): Uncertain significance (1 of 4 stars; one submission).

Allele frequency attached by ClinVar (database versions not stated): ExAC 0.00001; gnomAD 0.00001; gnomAD exomes 0.00001; TOPMed 0.00001.
gnomAD v4.1: 37 of 1,608,104 alleles (0.0023%); highest among the groups gnomAD compares: Non-Finnish European, 0.003%; no homozygotes.

Submission:

Labcorp Genetics (formerly Invitae), Labcorp
Classification: Uncertain significance. Last evaluated: 2025-09-08. Review status: criteria provided, single submitter. Criteria: Invitae Variant Classification Sherloc (09022015). Collection method: clinical testing. Allele origin: germline.
Comment: This sequence change replaces isoleucine, which is neutral and non-polar, with valine, which is neutral and non-polar, at codon 362 of the TCIRG1 protein (p.Ile362Val). This variant is present in population databases (rs757401335, gnomAD 0.004%). This variant has not been reported in the literature in individuals affected with TCIRG1-related conditions. ClinVar contains an entry for this variant (Variation ID: 1421696). Invitae Evidence Modeling of protein sequence and biophysical properties (such as structural, functional, and spatial information, amino acid conservation, physicochemical variation, residue mobility, and thermodynamic stability) indicates that this missense variant is not expected to disrupt TCIRG1 protein function with a negative predictive value of 80%. In summary, the available evidence is currently insufficient to determine the role of this variant in disease. Therefore, it has been classified as a Variant of Uncertain Significance.

NM_006019.4(TCIRG1):c.1084A>G (p.Ile362Val)

Gene: TCIRG1 (T cell immune regulator 1, ATPase H+ transporting V0 subunit a3; plus strand). Cytogenetic location: 11q13.2.
Variant type: single nucleotide variant.
Coding change: c.1084A>G on transcript NM_006019.4 (MANE Select); coding-DNA position 1084, A replaced by G.
Protein change: p.Ile362Val; replaces isoleucine 362 with valine.
Molecular consequence: missense variant.
Genome position (GRCh38, 1-based): chr11:68,045,021, A>G. VCF-style: chr11-68045021-A-G. GRCh37 (hg19) VCF-style: chr11-67812488-A-G.
Other names: c.190A>G, p.Ile64Val (NM_001351059.2); c.436A>G, p.Ile146Val (NM_006053.4); short protein forms I146V, I362V, I64V.
Identifiers: ClinVar variation 1421696 (VCV001421696.6), dbSNP rs757401335, ClinGen allele CA6146940.